The following is an entry in ClinVar:

ClinVar aggregate classification (germline): Uncertain significance (1 of 4 stars; one submission).

Conditions:
Cerebellar ataxia-hypogonadism syndrome. Also called: Luteinizing hormone releasing hormone, deficiency of with ataxia; Cerebellar ataxia hypogonadotropic hypogonadism; Gordon Holmes syndrome; CEREBELLAR ATAXIA AND HYPOGONADOTROPIC HYPOGONADISM; LHRH DEFICIENCY AND ATAXIA. Identifiers: Orphanet 1173, MedGen C1859305, MONDO:0008935, OMIM 212840.

Submission:

Neuberg Centre For Genomic Medicine, NCGM
Classification: Uncertain significance for Cerebellar ataxia-hypogonadism syndrome. Last evaluated: 2023-05-20. Review status: criteria provided, single submitter. Criteria: ACMG Guidelines, 2015. Collection method: clinical testing. Allele origin: germline. Inheritance: Autosomal recessive inheritance. Affected: yes.
Comment: The observed missense c.1904C>T (p.Pro635Leu) variant in RNF216 gene has not been reported previously as a pathogenic variant nor as a benign variant, to our knowledge. The p.Pro635Leu variant is absent in gnomAD Exomes. This variant has not been submitted to the ClinVar database. The amino acid change p.Pro635Leu in RNF216 is predicted as conserved by GERP++ and PhyloP across 100 vertebrates. The amino acid Pro at position 635 is changed to a Leu changing protein sequence and it might alter its composition and physico-chemical properties. For these reasons, this variant has been classified as a Variant of Uncertain Significance (VUS).

NM_207111.4(RNF216):c.1904C>T (p.Pro635Leu)

Gene: RNF216 (ring finger protein 216; minus strand). Cytogenetic location: 7p22.1.
Variant type: single nucleotide variant.
Coding change: c.1904C>T on transcript NM_207111.4 (MANE Select); coding-DNA position 1904, C replaced by T.
Protein change: p.Pro635Leu; replaces proline 635 with leucine.
Molecular consequence: missense variant.
Genome position (GRCh38, 1-based): chr7:5,712,793, G>A on the plus strand (C>T on the coding strand, the complement: RNF216 is on the minus strand). VCF-style: chr7-5712793-G-A. GRCh37 (hg19) VCF-style: chr7-5752424-G-A.
Other names: c.1733C>T, p.Pro578Leu (NM_001377156.1, NM_207116.3); short protein forms P578L, P635L.
Identifiers: ClinVar variation 3341367 (VCV003341367.1).